The following is an entry in ClinVar:

NM_000142.5(FGFR3):c.2168+6T>G

Gene: FGFR3 (fibroblast growth factor receptor 3; plus strand). Cytogenetic location: 4p16.3.
Variant type: single nucleotide variant.
Coding change: c.2168+6T>G on transcript NM_000142.5 (MANE Select); 6 bases into the intron after coding-DNA position 2168, T replaced by G.
Molecular consequence: intron variant.
Genome position (GRCh38, 1-based): chr4:1,806,689, T>G. VCF-style: chr4-1806689-T-G. GRCh37 (hg19) VCF-style: chr4-1808416-T-G.
Other names: c.2174+6T>G (NM_001163213.2); c.2171+6T>G (NM_001354809.2); c.2100+6T>G (NM_001354810.2); c.1832+6T>G (NM_022965.4).
Identifiers: ClinVar variation 1680127 (VCV001680127.9), dbSNP rs2108812785, ClinGen allele CA2573137475.

ClinVar aggregate classification (germline): Uncertain significance (1 of 4 stars; one submission).

Submission:

Labcorp Genetics (formerly Invitae), Labcorp
Classification: Uncertain significance. Last evaluated: 2022-01-11. Review status: criteria provided, single submitter. Criteria: Invitae Variant Classification Sherloc (09022015). Collection method: clinical testing. Allele origin: germline.
Comment: This sequence change falls in intron 16 of the FGFR3 gene. It does not directly change the encoded amino acid sequence of the FGFR3 protein. It affects a nucleotide within the consensus splice site. This variant is not present in population databases (gnomAD no frequency). This variant has not been reported in the literature in individuals affected with FGFR3-related conditions. Variants that disrupt the consensus splice site are a relatively common cause of aberrant splicing (PMID: 17576681, 9536098). Algorithms developed to predict the effect of sequence changes on RNA splicing suggest that this variant may disrupt the consensus splice site. In summary, the available evidence is currently insufficient to determine the role of this variant in disease. Therefore, it has been classified as a Variant of Uncertain Significance.

Literature cited by the submitters: PubMed 17576681; PubMed 9536098.